The following is an entry in ClinVar:

ClinVar aggregate classification (germline): Benign/Likely benign. Review status: criteria provided, multiple submitters, no conflicts (2 of 4 stars). 2 submissions from 2 submitters: Benign (1); Likely benign (1). Last evaluated 2024-03-07.

Conditions:
Hereditary cancer-predisposing syndrome. Also called: Neoplastic Syndromes, Hereditary; Tumor predisposition; Hereditary Cancer Syndrome; Hereditary neoplastic syndrome. Identifiers: Orphanet 140162, MedGen C0027672, MeSH D009386, MONDO:0015356.
Familial adenomatous polyposis 1 (FAP1). Also called: FAMILIAL ADENOMATOUS POLYPOSIS 1, ATTENUATED; POLYPOSIS, ADENOMATOUS INTESTINAL. Identifiers: MedGen C2713442, MONDO:0021056, OMIM 175100. Disease mechanism: loss of function.

Submissions (2):

Myriad Genetics, Inc.
Classification: Benign for Familial adenomatous polyposis 1. Last evaluated: 2024-03-07. Review status: criteria provided, single submitter. Criteria: Myriad Autosomal Dominant, Autosomal Recessive and X-Linked Classification Criteria (2023). Collection method: clinical testing. Allele origin: unknown.
Comment: This variant is considered benign. This variant is a silent/synonymous amino acid change and it is not expected to impact splicing.

Ambry Genetics
Classification: Likely benign for Hereditary cancer-predisposing syndrome. Last evaluated: 2020-07-24. Review status: criteria provided, single submitter. Criteria: Ambry Variant Classification Scheme 2023. Collection method: clinical testing. Allele origin: germline.

NM_000038.6(APC):c.1905A>C (p.Gly635=)

Gene: APC (APC regulator of Wnt signaling pathway; plus strand). Cytogenetic location: 5q22.2.
Variant type: single nucleotide variant.
Coding change: c.1905A>C on transcript NM_000038.6 (MANE Select); coding-DNA position 1905, A replaced by C.
Protein change: p.Gly635=; no amino-acid change (glycine 635 retained).
Molecular consequence: synonymous variant. On other transcripts: non-coding transcript variant (2).
Genome position (GRCh38, 1-based): chr5:112,835,112, A>C. VCF-style: chr5-112835112-A-C. GRCh37 (hg19) VCF-style: chr5-112170809-A-C.
Other names: c.1905A>C, p.Gly635= (NM_001127510.3, NM_001354895.2, NM_001407450.1); c.1851A>C, p.Gly617= (NM_001127511.3); c.1959A>C, p.Gly653= (NM_001354896.2, NM_001407447.1, NM_001407448.1 and 1 more transcripts); c.1935A>C, p.Gly645= (NM_001354897.2); c.1830A>C, p.Gly610= (NM_001354898.2); c.1821A>C, p.Gly607= (NM_001354899.2); c.1782A>C, p.Gly594= (NM_001354900.2); c.1728A>C, p.Gly576= (NM_001354901.2, NM_001407453.1); and 11 more.
Identifiers: ClinVar variation 1782364 (VCV001782364.2), dbSNP rs1580604886, ClinGen allele CA445758914.